The following is an entry in ClinVar:

ClinVar aggregate classification (germline): Benign (0 of 4 stars; one submission).

Conditions:
CASP14-related disorder. Also called: CASP14-related condition.

Allele frequency attached by ClinVar (database versions not stated): ESP Exome Variant Server 0.00008; TOPMed 0.00024; gnomAD 0.00048; 1000 Genomes Project 30x 0.00109; ExAC 0.00113; 1000 Genomes Project 0.00120.
gnomAD v4.1: 948 of 1,614,108 alleles (0.059%); highest among the groups gnomAD compares: South Asian, 0.87%; 9 homozygotes.

Submission:

PreventionGenetics, part of Exact Sciences
Classification: Benign for CASP14-related condition. Last evaluated: 2019-06-10. Review status: no assertion criteria provided. Collection method: clinical testing. Allele origin: germline.
Comment: This variant is classified as benign based on ACMG/AMP sequence variant interpretation guidelines (Richards et al. 2015 PMID: 25741868, with internal and published modifications).

NM_012114.3(CASP14):c.130C>T (p.Arg44Trp)

Gene: CASP14 (caspase 14; plus strand). Cytogenetic location: 19p13.12.
Variant type: single nucleotide variant.
Coding change: c.130C>T on transcript NM_012114.3 (MANE Select); coding-DNA position 130, C replaced by T.
Protein change: p.Arg44Trp; replaces arginine 44 with tryptophan.
Molecular consequence: missense variant.
Genome position (GRCh38, 1-based): chr19:15,053,584, C>T. VCF-style: chr19-15053584-C-T. GRCh37 (hg19) VCF-style: chr19-15164395-C-T.
Other names: short protein forms R44W.
Identifiers: ClinVar variation 3043803 (VCV003043803.2), dbSNP rs61731993, ClinGen allele CA9260618.